The following is an entry in ClinVar:

ClinVar aggregate classification (germline): Benign/Likely benign. Review status: criteria provided, multiple submitters, no conflicts (2 of 4 stars). 3 submissions from 3 submitters: Benign (1); Likely benign (2). Last evaluated 2025-04-02.

Conditions:
Short stature-pituitary and cerebellar defects-small sella turcica syndrome (CPHD4). Also called: Pituitary hormone deficiency, combined with or without cerebellar defects; Short stature, pituitary and cerebellar defects and small sella turcica. Identifiers: Orphanet 85442, MedGen C2678408, MONDO:0009880, OMIM 262700.

Allele frequency attached by ClinVar (database versions not stated): gnomAD 0.00001 and 0.00006; TOPMed 0.00002; ExAC 0.00007; 1000 Genomes Project 30x 0.00031; 1000 Genomes Project 0.00040.
gnomAD v4.1: 271 of 1,579,494 alleles (0.017%); highest among the groups gnomAD compares: East Asian, 0.6%; 2 homozygotes.

Submissions (3):

Women's Health and Genetics/Laboratory Corporation of America, LabCorp
Classification: Likely benign. Last evaluated: 2025-04-02. Review status: criteria provided, single submitter. Criteria: LabCorp Variant Classification Summary - May 2015. Collection method: clinical testing. Allele origin: germline.
Comment: Variant summary: LHX4 c.1160A>C (p.His387Pro) results in a non-conservative amino acid change in the encoded protein sequence. Five of five in-silico tools predict a damaging effect of the variant on protein function. The variant allele was found at a frequency of 0.00017 in 1579494 control chromosomes, predominantly at a frequency of 0.006 within the East Asian subpopulation in the gnomAD database, including 2 homozygotes. The observed variant frequency within East Asian control individuals in the gnomAD database exceeds the estimated maximal expected allele frequency for a pathogenic variant in LHX4 causing Short Stature-Pituitary And Cerebellar Defects-Small Sella Turcica Syndrome phenotype. c.1160A>C has been reported in the literature in at-least one individual affected with combined pituitary hormone deficiency (example: Dateki_2010). These report(s) do not provide unequivocal conclusions about association of the variant with Short Stature-Pituitary And Cerebellar Defects-Small Sella Turcica Syndrome. To our knowledge, no experimental evidence demonstrating an impact on protein function has been reported. The following publication has been ascertained in the context of this evaluation (PMID: 20534763). ClinVar contains an entry for this variant (Variation ID: 874815). Based on the evidence outlined above, the variant was classified as likely benign.

Labcorp Genetics (formerly Invitae), Labcorp
Classification: Likely benign. Last evaluated: 2025-02-20. Review status: criteria provided, single submitter. Criteria: Invitae Variant Classification Sherloc (09022015). Collection method: clinical testing. Allele origin: germline.

Illumina Laboratory Services, Illumina
Classification: Benign for Short stature-pituitary and cerebellar defects-small sella turcica syndrome. Last evaluated: 2017-04-27. Review status: criteria provided, single submitter. Criteria: ICSL Variant Classification Criteria 13 December 2019. Collection method: clinical testing. Allele origin: germline.
Comment: This variant was observed as part of a predisposition screen in an ostensibly healthy population. A literature search was performed for the gene, cDNA change, and amino acid change (where applicable). Publications were found based on this search. The evidence from the literature, in combination with allele frequency data from public databases where available, was sufficient to rule this variant out of causing disease. Therefore, this variant is classified as benign.

Literature cited by the submitters: PubMed 20534763 (cited by Women's Health and Genetics/Laboratory Corporation of America, LabCorp and Illumina Laboratory Services, Illumina).

NM_033343.4(LHX4):c.1160A>C (p.His387Pro)

Genes: LHX4-AS1 (LHX4 antisense RNA 1; minus strand), ACBD6 (acyl-CoA binding domain containing 6; minus strand), LHX4 (LIM homeobox 4; plus strand). Cytogenetic location: 1q25.2.
Variant type: single nucleotide variant.
Coding change: c.1160A>C on transcript NM_033343.4 (MANE Select); coding-DNA position 1160, A replaced by C.
Protein change: p.His387Pro; replaces histidine 387 with proline.
Molecular consequence: missense variant.
Genome position (GRCh38, 1-based): chr1:180,274,566, A>C. VCF-style: chr1-180274566-A-C. GRCh37 (hg19) VCF-style: chr1-180243701-A-C.
Other names: short protein forms H387P.
Identifiers: ClinVar variation 874815 (VCV000874815.13), dbSNP rs200187045, ClinGen allele CA1272099.